The following is an entry in ClinVar:

ClinVar aggregate classification (germline): Uncertain significance (1 of 4 stars; one submission).

gnomAD v4.1: 5 of 1,607,414 alleles (0.00031%); highest among the groups gnomAD compares: South Asian, 0.0044%; no homozygotes.

Submission:

Ambry Genetics
Classification: Uncertain significance. Last evaluated: 2025-06-27. Review status: criteria provided, single submitter. Criteria: Ambry Variant Classification Scheme 2023. Collection method: clinical testing. Allele origin: germline.
Comment: The p.C2014S variant (also known as c.6041G>C), located in coding exon 24 of the WNK2 gene, results from a G to C substitution at nucleotide position 6041. The cysteine at codon 2014 is replaced by serine, an amino acid with dissimilar properties. This amino acid position is conserved. In addition, this alteration is predicted to be deleterious by in silico analysis. Based on the available evidence, the clinical significance of this variant remains unclear.

NM_006648.4(WNK2):c.6041G>C (p.Cys2014Ser)

Gene: WNK2 (WNK lysine deficient protein kinase 2; plus strand). Cytogenetic location: 9q22.31.
Variant type: single nucleotide variant.
Coding change: c.6041G>C on transcript NM_006648.4 (MANE Select); coding-DNA position 6041, G replaced by C.
Protein change: p.Cys2014Ser; replaces cysteine 2014 with serine.
Molecular consequence: missense variant.
Genome position (GRCh38, 1-based): chr9:93,299,187, G>C. VCF-style: chr9-93299187-G-C. GRCh37 (hg19) VCF-style: chr9-96061469-G-C.
Other names: c.6152G>C, p.Cys2051Ser (NM_001282394.3); short protein forms C2051S, C2014S.
Identifiers: ClinVar variation 4201568 (VCV004201568.1).
Genomic context (GRCh38, chr9:93,299,187, plus strand): 5'-TGGGGCTCACTGCAGACAGCACGGGCCTGAGCGGGAAGGCAGTGCAGACCCAGCAGCCCT[G>C]CTCCGTCCGGGCCTCCCTGTCTTCGGACATCTGCTCCGGCTTAGCCAGTGATGGAGGCGG-3'
Protein context (NP_006639.3, residues 2004-2024): SGKAVQTQQP[Cys2014Ser]SVRASLSSDI